The following is an entry in ClinVar:

NM_000257.4(MYH7):c.249del (p.Lys83fs)

Gene: MYH7 (myosin heavy chain 7; minus strand). Cytogenetic location: 14q11.2.
Variant type: Deletion.
Coding change: c.249del on transcript NM_000257.4 (MANE Select); coding-DNA position 249, one base deleted (G; older notation c.249delG).
Protein change: p.Lys83fs; shifts the reading frame from lysine 83.
Molecular consequence: frameshift variant.
Genome position (GRCh38, 1-based): chr14:23,433,180, C deleted on the plus strand (G on the coding strand, the reverse complement: MYH7 is on the minus strand). VCF-style (leftmost placement, unchanged base first): chr14-23433179-AC-A. GRCh37 (hg19) VCF-style: chr14-23902388-AC-A.
Other names: c.249del, p.Lys83fs (NM_001407004.1); short protein forms K83fs.
Identifiers: ClinVar variation 3387365 (VCV003387365.1).

ClinVar aggregate classification (germline): Uncertain significance (1 of 4 stars; one submission).

Conditions:
Primary dilated cardiomyopathy (DCM). Also called: Dilated Cardiomyopathy. Identifiers: Orphanet 217604, MedGen C0007193, MeSH D002311, MONDO:0005021, HP:0001644. Inheritance: Various modes of inheritance.

Submission:

All of Us Research Program, National Institutes of Health
Classification: Uncertain significance for Primary dilated cardiomyopathy. Last evaluated: 2024-09-24. Review status: criteria provided, single submitter. Criteria: ACMG Guidelines, 2015. Collection method: clinical testing. Allele origin: germline. Inheritance: Autosomal dominant inheritance. Observed: 1 variant allele, 1 heterozygote.
Comment: This study involves interpretation of variants in research participants for the purpose of population health screening. Participant phenotype was not available at the time of variant classification. Additional details can be found in publication PMID: 35346344, PMCID: PMC8962531